The following is an entry in ClinVar:

NM_006329.4(FBLN5):c.620-7del

Gene: FBLN5 (fibulin 5; minus strand). Cytogenetic location: 14q32.12.
Variant type: Deletion.
Coding change: c.620-7del on transcript NM_006329.4 (MANE Select); 7 bases into the intron before coding-DNA position 620, one base deleted (T; older notation c.620-7delT).
Molecular consequence: intron variant.
Genome position (GRCh38, 1-based): chr14:91,887,319, A deleted on the plus strand (T on the coding strand, the reverse complement: FBLN5 is on the minus strand); the first of 3 consecutive A bases (chr14:91,887,319-91,887,321); deleting any one gives the same sequence. VCF-style (leftmost placement, unchanged base first): chr14-91887318-GA-G. GRCh37 (hg19) VCF-style: chr14-92353662-GA-G.
Other names: c.620-7del (NM_001384160.1); c.743-7del (NM_001384158.1); c.452-7del (NM_001384162.1, NM_001384161.1); c.671-7del (NM_001384159.1).
Identifiers: ClinVar variation 1205200 (VCV001205200.9), dbSNP rs2139968939, ClinGen allele CA2499222782.

ClinVar aggregate classification (germline): Likely benign. Review status: criteria provided, multiple submitters, no conflicts (2 of 4 stars). 2 submissions from 2 submitters: Likely benign (2). Last evaluated 2024-10-09.

Submissions (2):

Labcorp Genetics (formerly Invitae), Labcorp
Classification: Likely benign. Last evaluated: 2024-10-09. Review status: criteria provided, single submitter. Criteria: Invitae Variant Classification Sherloc (09022015). Collection method: clinical testing. Allele origin: germline.

GeneDx
Classification: Likely benign. Last evaluated: 2022-10-30. Review status: criteria provided, single submitter. Criteria: GeneDx Variant Classification Process June 2021. Collection method: clinical testing. Allele origin: germline. Affected: yes.
Comment: See Variant Classification Assertion Criteria.